The following is an entry in ClinVar:

ClinVar aggregate classification (germline): Uncertain significance. Review status: criteria provided, multiple submitters, no conflicts (2 of 4 stars). 2 submissions from 2 submitters: Uncertain significance (2). Last evaluated 2025-07-01.

Conditions:
Hereditary cancer-predisposing syndrome. Also called: Hereditary neoplastic syndrome; Tumor predisposition; Neoplastic Syndromes, Hereditary; Hereditary Cancer Syndrome. Identifiers: Orphanet 140162, MedGen C0027672, MeSH D009386, MONDO:0015356.

Submissions (2):

Ambry Genetics
Classification: Uncertain significance for Hereditary cancer-predisposing syndrome. Last evaluated: 2025-07-01. Review status: criteria provided, single submitter. Criteria: Ambry Variant Classification Scheme 2023. Collection method: clinical testing. Allele origin: germline.
Comment: The p.M1649T variant (also known as c.4946T>C), located in coding exon 37 of the POLE gene, results from a T to C substitution at nucleotide position 4946. The methionine at codon 1649 is replaced by threonine, an amino acid with similar properties. This amino acid position is conserved. In addition, the in silico prediction for this alteration is inconclusive. Based on the available evidence, the clinical significance of this variant remains unclear.

Labcorp Genetics (formerly Invitae), Labcorp
Classification: Uncertain significance. Last evaluated: 2023-05-29. Review status: criteria provided, single submitter. Criteria: Invitae Variant Classification Sherloc (09022015). Collection method: clinical testing. Allele origin: germline.
Comment: In summary, the available evidence is currently insufficient to determine the role of this variant in disease. Therefore, it has been classified as a Variant of Uncertain Significance. Advanced modeling of protein sequence and biophysical properties (such as structural, functional, and spatial information, amino acid conservation, physicochemical variation, residue mobility, and thermodynamic stability) performed at Invitae indicates that this missense variant is not expected to disrupt POLE protein function. This variant is not present in population databases (gnomAD no frequency). This variant has not been reported in the literature in individuals affected with POLE-related conditions. This sequence change replaces methionine, which is neutral and non-polar, with threonine, which is neutral and polar, at codon 1649 of the POLE protein (p.Met1649Thr).

NM_006231.4(POLE):c.4946T>C (p.Met1649Thr)

Gene: POLE (DNA polymerase epsilon, catalytic subunit; minus strand). Cytogenetic location: 12q24.33.
Variant type: single nucleotide variant.
Coding change: c.4946T>C on transcript NM_006231.4 (MANE Select); coding-DNA position 4946, T replaced by C.
Protein change: p.Met1649Thr; replaces methionine 1649 with threonine.
Molecular consequence: missense variant.
Genome position (GRCh38, 1-based): chr12:132,642,512, A>G on the plus strand (T>C on the coding strand, the complement: POLE is on the minus strand). VCF-style: chr12-132642512-A-G. GRCh37 (hg19) VCF-style: chr12-133219098-A-G.
Other names: c.4946T>C (NM_006231.2); short protein forms M1649T.
Identifiers: ClinVar variation 2862764 (VCV002862764.4), dbSNP rs2138533391, ClinGen allele CA387377826.
Genomic context (GRCh38, chr12:132,642,512, plus strand): 5'-CGAGGCCGGCTCTGCCTGGGGACCACTGGCCCACAACGACAGTACTGTGCTCACCTGCTC[A>G]TCTCGAAGGCCTGCGACAGGCAGGTGTCCAGGTTGAGGTAGTGACGGATCATGCGCCGGG-3'
Protein context (NP_006222.2, residues 1639-1659): LDTCLSQAFE[Met1649Thr]SRYFHIPIGN